The following is an entry in ClinVar:

NM_022124.6(CDH23):c.1514+13C>T

Gene: CDH23 (cadherin related 23; plus strand). Cytogenetic location: 10q22.1.
Variant type: single nucleotide variant.
Coding change: c.1514+13C>T on transcript NM_022124.6 (MANE Select); 13 bases into the intron after coding-DNA position 1514, C replaced by T.
Molecular consequence: intron variant.
Genome position (GRCh38, 1-based): chr10:71,675,189, C>T. VCF-style: chr10-71675189-C-T. GRCh37 (hg19) VCF-style: chr10-73434946-C-T.
Other names: c.1514+13C>T (NM_001171930.2, NM_001171931.2).
Identifiers: ClinVar variation 227216 (VCV000227216.14), dbSNP rs376369708, ClinGen allele CA5543861.

ClinVar aggregate classification (germline): Likely benign. Review status: criteria provided, multiple submitters, no conflicts (2 of 4 stars). 3 submissions from 3 submitters: Likely benign (3). Last evaluated 2026-01-27.

Allele frequency attached by ClinVar (database versions not stated): gnomAD exomes 0.00004 and 0.00010; ExAC 0.00013; ESP Exome Variant Server 0.00016; 1000 Genomes Project 0.00040; 1000 Genomes Project 30x 0.00047; gnomAD 0.00053 and 0.00056; TOPMed 0.00059.
gnomAD v4.1: 132 of 1,612,144 alleles (0.0082%); highest among the groups gnomAD compares: African/African-American, 0.17%; no homozygotes.

Submissions (3):

Labcorp Genetics (formerly Invitae), Labcorp
Classification: Likely benign. Last evaluated: 2026-01-27. Review status: criteria provided, single submitter. Criteria: Invitae Variant Classification Sherloc (09022015). Collection method: clinical testing. Allele origin: germline.

Blueprint Genetics
Classification: Likely benign. Last evaluated: 2023-02-09. Review status: criteria provided, single submitter. Criteria: ACMG Guidelines, 2015. Collection method: clinical testing. Allele origin: germline.

Laboratory for Molecular Medicine, Mass General Brigham Personalized Medicine
Classification: Likely benign. Last evaluated: 2015-06-23. Review status: criteria provided, single submitter. Criteria: LMM Criteria. Collection method: clinical testing. Allele origin: germline. Observed: 1 variant allele.
Comment: c.1514+13C>T in Intron 15 of CDH23: This variant is not expected to have clinica l significance because it is not located within the conserved splice consensus s equence and has been identified in 0.1% (15/9612) of African American chromosome s from a broad population by the Exome Aggregation Consortium (ExAC .; rs376369708).